The following is an entry in ClinVar:

NM_014444.5(TUBGCP4):c.61A>T (p.Lys21Ter)

Gene: TUBGCP4 (tubulin gamma complex component 4; plus strand). Cytogenetic location: 15q15.3.
Variant type: single nucleotide variant.
Coding change: c.61A>T on transcript NM_014444.5 (MANE Select); coding-DNA position 61, A replaced by T.
Protein change: p.Lys21Ter; replaces lysine 21 with a stop codon.
Molecular consequence: nonsense.
Genome position (GRCh38, 1-based): chr15:43,371,415, A>T. VCF-style: chr15-43371415-A-T. GRCh37 (hg19) VCF-style: chr15-43663613-A-T.
Other names: c.61A>T, p.Lys21Ter (NM_001286414.3); short protein forms K21*.
Identifiers: ClinVar variation 3675172 (VCV003675172.1).

ClinVar aggregate classification (germline): Pathogenic (1 of 4 stars; one submission).

gnomAD v4.1: 1 of 1,614,026 alleles (0.000062%); highest among the groups gnomAD compares: Non-Finnish European, 0.000085%; no homozygotes.

Submission:

Labcorp Genetics (formerly Invitae), Labcorp
Classification: Pathogenic. Last evaluated: 2024-11-18. Review status: criteria provided, single submitter. Criteria: Invitae Variant Classification Sherloc (09022015). Collection method: clinical testing. Allele origin: germline.
Comment: This sequence change creates a premature translational stop signal (p.Lys21*) in the TUBGCP4 gene. It is expected to result in an absent or disrupted protein product. Loss-of-function variants in TUBGCP4 are known to be pathogenic (PMID: 25817018). This variant is not present in population databases (gnomAD no frequency). This variant has not been reported in the literature in individuals affected with TUBGCP4-related conditions. For these reasons, this variant has been classified as Pathogenic.

Literature cited by the submitters: PubMed 25817018.